The following is an entry in ClinVar:

NM_001286.5(CLCN6):c.426C>G (p.Phe142Leu)

Gene: CLCN6 (Cl-/H+ antiporter 6; plus strand). Cytogenetic location: 1p36.22.
Variant type: single nucleotide variant.
Coding change: c.426C>G on transcript NM_001286.5 (MANE Select); coding-DNA position 426, C replaced by G.
Protein change: p.Phe142Leu; replaces phenylalanine 142 with leucine.
Molecular consequence: missense variant. On other transcripts: non-coding transcript variant (1).
Genome position (GRCh38, 1-based): chr1:11,822,774, C>G. VCF-style: chr1-11822774-C-G. GRCh37 (hg19) VCF-style: chr1-11882831-C-G.
Other names: c.360C>G, p.Phe120Leu (NM_001256959.2); short protein forms F120L, F142L.
Identifiers: ClinVar variation 4803642 (VCV004803642.1).
Genomic context (GRCh38, chr1:11,822,774, plus strand): 5'-GAAAGGCTGCCTCGCTCTGTCTCTCCTTGAACTCCTGGGTTTTAACCTCACCTTTGTCTT[C>G]CTGGCAAGCCTCCTTGTTCTCATTGAGGTGAGGTGGTTTGGATTCACCTGCTCGCTTAGG-3'
Protein context (NP_001277.2, residues 132-152): ELLGFNLTFV[Phe142Leu]LASLLVLIEP

ClinVar aggregate classification (germline): Uncertain significance (1 of 4 stars; one submission).

gnomAD v4.1: 2 of 1,613,808 alleles (0.00012%); highest among the groups gnomAD compares: Non-Finnish European, 0.00017%; no homozygotes.

Submission:

Labcorp Genetics (formerly Invitae), Labcorp
Classification: Uncertain significance. Last evaluated: 2025-05-02. Review status: criteria provided, single submitter. Criteria: Invitae Variant Classification Sherloc (09022015). Collection method: clinical testing. Allele origin: germline.
Comment: This sequence change replaces phenylalanine, which is neutral and non-polar, with leucine, which is neutral and non-polar, at codon 142 of the CLCN6 protein (p.Phe142Leu). This variant is present in population databases (no rsID available, gnomAD 0.0009%). This variant has not been reported in the literature in individuals affected with CLCN6-related conditions. An algorithm developed to predict the effect of missense changes on protein structure and function (PolyPhen-2) suggests that this variant is likely to be tolerated. In summary, the available evidence is currently insufficient to determine the role of this variant in disease. Therefore, it has been classified as a Variant of Uncertain Significance.